The following is an entry in ClinVar:

ClinVar aggregate classification (germline): Pathogenic (1 of 4 stars; one submission).

Conditions:
Hypertrophic cardiomyopathy. Also called: HYPERTROPHIC MYOCARDIOPATHY. Identifiers: Orphanet 217569, MedGen C0007194, MeSH D002312, MONDO:0005045, HP:0001639.

Submission:

Labcorp Genetics (formerly Invitae), Labcorp
Classification: Pathogenic for Hypertrophic cardiomyopathy. Last evaluated: 2016-09-26. Review status: criteria provided, single submitter. Criteria: Invitae Variant Classification Sherloc (09022015). Collection method: clinical testing. Allele origin: germline.
Comment: This variant is a gross deletion of the genomic region encompassing exons 2-5 of the MYBPC3 gene. This creates a premature translational stop signal and is expected to result in an absent or disrupted protein product. While this particular variant has not been reported in the literature, loss-of-function variants in MYBPC3 are known to be pathogenic (PMID: 19574547). For these reasons, this variant has been classified as Pathogenic.

NC_000011.10:g.(?_47349774)_(47351505_?)del

Gene: MYBPC3 (myosin binding protein C3; minus strand). Cytogenetic location: 11p11.2.
Variant type: Deletion.
Identifiers: ClinVar variation 417402 (VCV000417402.1).